The following is an entry in ClinVar:

NM_015559.3(SETBP1):c.2056A>T (p.Ser686Cys)

Gene: SETBP1 (SET binding protein 1; plus strand). Cytogenetic location: 18q12.3.
Variant type: single nucleotide variant.
Coding change: c.2056A>T on transcript NM_015559.3 (MANE Select); coding-DNA position 2056, A replaced by T.
Protein change: p.Ser686Cys; replaces serine 686 with cysteine.
Molecular consequence: missense variant.
Genome position (GRCh38, 1-based): chr18:44,951,396, A>T. VCF-style: chr18-44951396-A-T. GRCh37 (hg19) VCF-style: chr18-42531361-A-T.
Other names: c.2056A>T, p.Ser686Cys (NM_001379141.1, NM_001379142.1, NM_001410862.1); short protein forms S686C.
Identifiers: ClinVar variation 3688935 (VCV003688935.2).

ClinVar aggregate classification (germline): Uncertain significance (1 of 4 stars; one submission).

gnomAD v4.1: 7 of 1,614,192 alleles (0.00043%); highest among the groups gnomAD compares: Non-Finnish European, 0.00042%; no homozygotes.

Submission:

Labcorp Genetics (formerly Invitae), Labcorp
Classification: Uncertain significance. Last evaluated: 2024-03-27. Review status: criteria provided, single submitter. Criteria: Invitae Variant Classification Sherloc (09022015). Collection method: clinical testing. Allele origin: germline.
Comment: This sequence change replaces serine, which is neutral and polar, with cysteine, which is neutral and slightly polar, at codon 686 of the SETBP1 protein (p.Ser686Cys). This variant is present in population databases (rs376810199, gnomAD 0.0009%). This variant has not been reported in the literature in individuals affected with SETBP1-related conditions. Advanced modeling of protein sequence and biophysical properties (such as structural, functional, and spatial information, amino acid conservation, physicochemical variation, residue mobility, and thermodynamic stability) performed at Invitae indicates that this missense variant is not expected to disrupt SETBP1 protein function with a negative predictive value of 80%. In summary, the available evidence is currently insufficient to determine the role of this variant in disease. Therefore, it has been classified as a Variant of Uncertain Significance.